The following is an entry in ClinVar:

NM_001194.4(HCN2):c.2537C>A (p.Pro846Gln)

Gene: HCN2 (hyperpolarization activated cyclic nucleotide gated potassium and sodium channel 2; plus strand). Cytogenetic location: 19p13.3.
Variant type: single nucleotide variant.
Coding change: c.2537C>A on transcript NM_001194.4 (MANE Select); coding-DNA position 2537, C replaced by A.
Protein change: p.Pro846Gln; replaces proline 846 with glutamine.
Molecular consequence: missense variant.
Genome position (GRCh38, 1-based): chr19:616,341, C>A. VCF-style: chr19-616341-C-A. GRCh37 (hg19) VCF-style: chr19-616341-C-A.
Other names: short protein forms P846Q.
Identifiers: ClinVar variation 4976205 (VCV004976205.1).
Genomic context (GRCh38, chr19:616,341, plus strand): 5'-CGCTGCCTCACGGCGCCCCCGGCCCCGCGGCCTCCACACGCCCGGCCAGCAGCTCCACAC[C>A]GCGCTTGGGGCCCACGCCCGCTGCCCGGGCCGCCGCGCCCAGCCCGGACCGCAGGGACTC-3'
Protein context (NP_001185.3, residues 836-856): ASTRPASSST[Pro846Gln]RLGPTPAARA

ClinVar aggregate classification (germline): Uncertain significance (1 of 4 stars; one submission).

gnomAD v4.1: 2 of 1,208,940 alleles (0.00017%); highest among the groups gnomAD compares: South Asian, 0.002%; no homozygotes.

Submission:

GeneDx
Classification: Uncertain significance. Last evaluated: 2026-02-04. Review status: criteria provided, single submitter. Criteria: GeneDx Variant Classification Process June 2021. Collection method: clinical testing. Allele origin: germline.
Comment: Not observed at significant frequency in large population cohorts (gnomAD); In silico analysis suggests that this missense variant does not alter protein structure/function; Has not been previously published as pathogenic or benign to our knowledge